The following is an entry in ClinVar:

NM_001103.4(ACTN2):c.2425G>A (p.Val809Ile)

Gene: ACTN2 (actinin alpha 2; plus strand). Cytogenetic location: 1q43.
Variant type: single nucleotide variant.
Coding change: c.2425G>A on transcript NM_001103.4 (MANE Select); coding-DNA position 2425, G replaced by A.
Protein change: p.Val809Ile; replaces valine 809 with isoleucine.
Molecular consequence: missense variant.
Genome position (GRCh38, 1-based): chr1:236,761,072, G>A. VCF-style: chr1-236761072-G-A. GRCh37 (hg19) VCF-style: chr1-236924372-G-A.
Other names: c.2425G>A, p.Val809Ile (NM_001278343.2); c.1801G>A, p.Val601Ile (NM_001278344.2); short protein forms V601I, V809I.
Identifiers: ClinVar variation 1317070 (VCV001317070.9), dbSNP rs551605384, ClinGen allele CA1473444.
Genomic context (GRCh38, chr1:236,761,072, plus strand): 5'-CAGGGTGAAGCCGAATTTGCCCGCATTATGACCCTGGTAGATCCCAACGGGCAAGGCACC[G>A]TCACCTTCCAATCCTTCATCGACTTCATGACTAGAGAGACGGCTGACACCGACACTGCCG-3'
Protein context (NP_001094.1, residues 799-819): TLVDPNGQGT[Val809Ile]TFQSFIDFMT

ClinVar aggregate classification (germline): Conflicting classifications of pathogenicity. Review status: criteria provided, conflicting classifications (1 of 4 stars). 2 submissions from 2 submitters: Uncertain significance (1); Likely benign (1). Last evaluated 2025-10-23.

Conditions:
Primary familial hypertrophic cardiomyopathy (HCM). Identifiers: Orphanet 99739, MedGen C0949658, MeSH D024741, MONDO:0024573. Inheritance: Various modes of inheritance.
Dilated cardiomyopathy 1AA (CMD1AA). Also called: CARDIOMYOPATHY, DILATED, 1AA, WITH OR WITHOUT LEFT VENTRICULAR NONCOMPACTION; CARDIOMYOPATHY, FAMILIAL HYPERTROPHIC, 23, WITH OR WITHOUT LEFT VENTRICULAR NONCOMPACTION; Cardiomyopathy, dilated, 1AA, with or without LVNC. Identifiers: Orphanet 154, MedGen C2677338, MONDO:0012808, OMIM 612158.

Allele frequency attached by ClinVar (database versions not stated): gnomAD exomes 0.00005; TOPMed 0.00002; ExAC 0.00003; gnomAD 0.00003.
gnomAD v4.1: 20 of 1,613,998 alleles (0.0012%); highest among the groups gnomAD compares: East Asian, 0.033%; no homozygotes.

Submissions (2):

Labcorp Genetics (formerly Invitae), Labcorp
Classification: Likely benign for Primary familial hypertrophic cardiomyopathy; Dilated cardiomyopathy 1AA. Last evaluated: 2025-10-23. Review status: criteria provided, single submitter. Criteria: Invitae Variant Classification Sherloc (09022015). Collection method: clinical testing. Allele origin: germline.

GeneDx
Classification: Uncertain significance. Last evaluated: 2024-05-08. Review status: criteria provided, single submitter. Criteria: GeneDx Variant Classification Process June 2021. Collection method: clinical testing. Allele origin: germline. Affected: yes.
Comment: In silico analysis supports that this missense variant does not alter protein structure/function; Has not been previously published as pathogenic or benign to our knowledge